The following is an entry in ClinVar:

NM_014874.4(MFN2):c.*1706T>G

Gene: MFN2 (mitofusin 2; plus strand). Cytogenetic location: 1p36.22.
Variant type: single nucleotide variant.
Coding change: c.*1706T>G on transcript NM_014874.4 (MANE Select); 1706 bases downstream of the stop codon, T replaced by G.
Molecular consequence: 3 prime UTR variant.
Genome position (GRCh38, 1-based): chr1:12,013,271, T>G. VCF-style: chr1-12013271-T-G. GRCh37 (hg19) VCF-style: chr1-12073328-T-G.
Other names: c.*1706T>G (NM_001127660.2).
Identifiers: ClinVar variation 292412 (VCV000292412.5), dbSNP rs543365043, ClinGen allele CA599403.

ClinVar aggregate classification (germline): Benign/Likely benign. Review status: criteria provided, single submitter (1 of 4 stars). 2 submissions from 1 submitter: Benign (1); Likely benign (1). Last evaluated 2018-01-12.

Conditions:
Charcot-Marie-Tooth disease type 2. Also called: Charcot-Marie-Tooth type 2. Identifiers: Orphanet 64746, MedGen C0270914, MONDO:0018993.
Hereditary motor and sensory neuropathy with optic atrophy. Also called: PERIPHERAL NEUROPATHY AND OPTIC ATROPHY; CHARCOT-MARIE-TOOTH DISEASE, TYPE 6. Identifiers: Orphanet 90120, MedGen C0393807, MONDO:0019551.

Allele frequency attached by ClinVar (database versions not stated): ExAC 0.00044; TOPMed 0.00013; gnomAD exomes 0.00018 and 0.00014; gnomAD 0.00016.
gnomAD v4.1: 71 of 415,922 alleles (0.017%); highest among the groups gnomAD compares: Middle Eastern, 0.11%; no homozygotes.

Submissions (2):

Illumina Laboratory Services, Illumina
Classification: Benign for Neuropathy, hereditary motor and sensory, type 6A. Last evaluated: 2018-01-12. Review status: criteria provided, single submitter. Criteria: ICSL Variant Classification Criteria 13 December 2019. Collection method: clinical testing. Allele origin: germline.
Comment: This variant was observed in the ICSL laboratory as part of a predisposition screen in an ostensibly healthy population. It had not been previously curated by ICSL or reported in the Human Gene Mutation Database (HGMD: prior to June 1st, 2018), and was therefore a candidate for classification through an automated scoring system. Utilizing variant allele frequency, disease prevalence and penetrance estimates, and inheritance mode, an automated score was calculated to assess if this variant is too frequent to cause the disease. Based on the score and internal cut-off values, a variant classified as benign is not then subjected to further curation. The score for this variant resulted in a classification of benign for this disease.

Illumina Laboratory Services, Illumina
Classification: Likely benign for Charcot-Marie-Tooth disease, type 2. Last evaluated: 2018-01-12. Review status: criteria provided, single submitter. Criteria: ICSL Variant Classification Criteria 13 December 2019. Collection method: clinical testing. Allele origin: germline.
Comment: This variant was observed in the ICSL laboratory as part of a predisposition screen in an ostensibly healthy population. It had not been previously curated by ICSL or reported in the Human Gene Mutation Database (HGMD: prior to June 1st, 2018), and was therefore a candidate for classification through an automated scoring system. Utilizing variant allele frequency, disease prevalence and penetrance estimates, and inheritance mode, an automated score was calculated to assess if this variant is too frequent to cause the disease. Based on the score and internal cut-off values, a variant classified as likely benign is not then subjected to further curation. The score for this variant resulted in a classification of likely benign for this disease.